The following is an entry in ClinVar:

ClinVar aggregate classification (germline): Likely pathogenic (1 of 4 stars; one submission).

Submission:

GeneDx
Classification: Likely pathogenic. Last evaluated: 2017-01-19. Review status: criteria provided, single submitter. Criteria: GeneDx Variant Classification (06012015). Collection method: clinical testing. Allele origin: germline. Affected: yes.
Comment: A novel c.3538dupT variant that is likely pathogenic has been identified in the RAB3GAP2 gene. The c.3538dupT variant has not been published as a pathogenic variant, nor has it been reported as a benign variant to our knowledge. The c.3538dupT variant is not observed in large population cohorts (Lek et al., 2016; 1000 Genomes Consortium et al., 2015; Exome Variant Server). The c.3538dupT variant causes a frameshift starting with codon Serine 1180, changes this amino acid to a Phenylalanine residue and creates a premature Stop codon at position 4 of the new reading frame, denoted p.Ser1180PhefsX4. This variant is predicted to cause loss of normal protein function either through protein truncation or nonsense-mediated mRNA decay. Therefore, this variant is likely pathogenic; however, the possibility that it is benign cannot be excluded.

NM_012414.4(RAB3GAP2):c.3538dup (p.Ser1180fs)

Gene: RAB3GAP2 (RAB3 GTPase activating non-catalytic protein subunit 2; minus strand). Cytogenetic location: 1q41.
Variant type: Duplication.
Coding change: c.3538dup on transcript NM_012414.4 (MANE Select); coding-DNA position 3538, one base duplicated (T; older notation c.3538dupT).
Protein change: p.Ser1180fs; shifts the reading frame from serine 1180.
Molecular consequence: frameshift variant.
Genome position (GRCh38, 1-based): chr1:220,157,287, A duplicated on the plus strand (T on the coding strand, the reverse complement: RAB3GAP2 is on the minus strand); the first of 3 consecutive A bases (chr1:220,157,287-220,157,289); duplicating any one gives the same sequence. VCF-style (leftmost placement, unchanged base first): chr1-220157286-G-GA. GRCh37 (hg19) VCF-style: chr1-220330628-G-GA.
Other names: short protein forms S1180fs.
Identifiers: ClinVar variation 423025 (VCV000423025.2), dbSNP rs1553273525, ClinGen allele CA16617067.